The following is an entry in ClinVar:

NM_002618.4(PEX13):c.269A>G (p.Tyr90Cys)

Gene: PEX13 (peroxisomal biogenesis factor 13; plus strand). Cytogenetic location: 2p15.
Variant type: single nucleotide variant.
Coding change: c.269A>G on transcript NM_002618.4 (MANE Select); coding-DNA position 269, A replaced by G.
Protein change: p.Tyr90Cys; replaces tyrosine 90 with cysteine.
Molecular consequence: missense variant.
Genome position (GRCh38, 1-based): chr2:61,031,595, A>G. VCF-style: chr2-61031595-A-G. GRCh37 (hg19) VCF-style: chr2-61258730-A-G.
Other names: short protein forms Y90C.
Identifiers: ClinVar variation 336665 (VCV000336665.11), dbSNP rs200928725, ClinGen allele CA1673265.

ClinVar aggregate classification (germline): Uncertain significance. Review status: criteria provided, multiple submitters, no conflicts (2 of 4 stars). 4 submissions from 4 submitters: Uncertain significance (4). Last evaluated 2024-11-15.

Conditions:
Peroxisome biogenesis disorder 11A (Zellweger). Also called: Peroxisome biogenesis disorder 11A. Identifiers: Orphanet 912, MedGen C3554000, MONDO:0013949, OMIM 614883.
Inborn genetic diseases. Identifiers: MedGen C0950123, MeSH D030342.

Allele frequency attached by ClinVar (database versions not stated): ExAC 0.00002; gnomAD exomes 0.00002 and 0.00013; gnomAD 0.00003 and 0.00006; TOPMed 0.00003.
gnomAD v4.1: 195 of 1,614,036 alleles (0.012%); highest among the groups gnomAD compares: East Asian, 0.43%; no homozygotes.

Submissions (4):

Blueprint Genetics
Classification: Uncertain significance. Last evaluated: 2024-11-15. Review status: criteria provided, single submitter. Criteria: ACMG Guidelines, 2015. Collection method: clinical testing. Allele origin: germline.

Ambry Genetics
Classification: Uncertain significance for Inborn genetic diseases. Last evaluated: 2024-08-20. Review status: criteria provided, single submitter. Criteria: Ambry Variant Classification Scheme 2023. Collection method: clinical testing. Allele origin: germline.

Labcorp Genetics (formerly Invitae), Labcorp
Classification: Uncertain significance for Peroxisome biogenesis disorder 11A (Zellweger). Last evaluated: 2022-09-13. Review status: criteria provided, single submitter. Criteria: Invitae Variant Classification Sherloc (09022015). Collection method: clinical testing. Allele origin: germline.
Comment: This sequence change replaces tyrosine, which is neutral and polar, with cysteine, which is neutral and slightly polar, at codon 90 of the PEX13 protein (p.Tyr90Cys). This variant is present in population databases (rs200928725, gnomAD 0.04%). This variant has not been reported in the literature in individuals affected with PEX13-related conditions. ClinVar contains an entry for this variant (Variation ID: 336665). Advanced modeling of protein sequence and biophysical properties (such as structural, functional, and spatial information, amino acid conservation, physicochemical variation, residue mobility, and thermodynamic stability) performed at Invitae indicates that this missense variant is expected to disrupt PEX13 protein function. In summary, the available evidence is currently insufficient to determine the role of this variant in disease. Therefore, it has been classified as a Variant of Uncertain Significance.

Illumina Laboratory Services, Illumina
Classification: Uncertain significance for Peroxisome biogenesis disorder 11A (Zellweger). Last evaluated: 2018-01-12. Review status: criteria provided, single submitter. Criteria: ICSL Variant Classification Criteria 13 December 2019. Collection method: clinical testing. Allele origin: germline.